The following is an entry in ClinVar:

ClinVar aggregate classification (germline): Uncertain significance (1 of 4 stars; one submission).

Allele frequency attached by ClinVar (database versions not stated): gnomAD 0.00001; TOPMed 0.00001.
gnomAD v4.1: 19 of 1,559,830 alleles (0.0012%); highest among the groups gnomAD compares: Non-Finnish European, 0.0016%; no homozygotes.

Submission:

Labcorp Genetics (formerly Invitae), Labcorp
Classification: Uncertain significance. Last evaluated: 2025-06-11. Review status: criteria provided, single submitter. Criteria: Invitae Variant Classification Sherloc (09022015). Collection method: clinical testing. Allele origin: germline.
Comment: This sequence change replaces alanine, which is neutral and non-polar, with threonine, which is neutral and polar, at codon 298 of the VAV1 protein (p.Ala298Thr). The frequency data for this variant in the population databases is considered unreliable, as metrics indicate poor data quality at this position in the gnomAD database. This variant has not been reported in the literature in individuals affected with VAV1-related conditions. ClinVar contains an entry for this variant (Variation ID: 1978691). An algorithm developed to predict the effect of missense changes on protein structure and function (PolyPhen-2) suggests that this variant is likely to be disruptive. In summary, the available evidence is currently insufficient to determine the role of this variant in disease. Therefore, it has been classified as a Variant of Uncertain Significance.

NM_005428.4(VAV1):c.892G>A (p.Ala298Thr)

Gene: VAV1 (vav guanine nucleotide exchange factor 1; plus strand). Cytogenetic location: 19p13.3.
Variant type: single nucleotide variant.
Coding change: c.892G>A on transcript NM_005428.4 (MANE Select); coding-DNA position 892, G replaced by A.
Protein change: p.Ala298Thr; replaces alanine 298 with threonine.
Molecular consequence: missense variant.
Genome position (GRCh38, 1-based): chr19:6,826,676, G>A. VCF-style: chr19-6826676-G-A. GRCh37 (hg19) VCF-style: chr19-6826687-G-A.
Other names: c.892G>A, p.Ala298Thr (NM_001258206.2); c.796G>A, p.Ala266Thr (NM_001258207.2); short protein forms A298T, A266T.
Identifiers: ClinVar variation 1978691 (VCV001978691.4), dbSNP rs886702218, ClinGen allele CA304807915.